The following is an entry in ClinVar:

NM_000091.5(COL4A3):c.1550G>A (p.Gly517Glu)

Genes: COL4A3 (collagen type IV alpha 3 chain; plus strand), MFF-DT (MFF divergent transcript; minus strand). Cytogenetic location: 2q36.3.
Variant type: single nucleotide variant.
Coding change: c.1550G>A on transcript NM_000091.5 (MANE Select); coding-DNA position 1550, G replaced by A.
Protein change: p.Gly517Glu; replaces glycine 517 with glutamic acid.
Molecular consequence: missense variant.
Genome position (GRCh38, 1-based): chr2:227,269,955, G>A. VCF-style: chr2-227269955-G-A. GRCh37 (hg19) VCF-style: chr2-228134671-G-A.
Other names: short protein forms G517E.
Identifiers: ClinVar variation 4535106 (VCV004535106.6).
Genomic context (GRCh38, chr2:227,269,955, plus strand): 5'-TTCGTTGATTTGCAGGAAGACAAGGCGCAGCTGGCTTGAAAGGAAGCCCAGGGTCCCCAG[G>A]AAATACAGGTCTTCCAGGATTTCCAGTAAGATTTCATGTTTTTAAATCTTTAGCTTCAAT-3'
Protein context (NP_000082.2, residues 507-527): AGLKGSPGSP[Gly517Glu]NTGLPGFPGF

ClinVar aggregate classification (germline): Likely pathogenic (1 of 4 stars; one submission).

Submission:

CeGaT Center for Human Genetics Tuebingen
Classification: Likely pathogenic. Last evaluated: 2026-08-01. Review status: criteria provided, single submitter. Criteria: CeGaT Center For Human Genetics Tuebingen Variant Classification Criteria Version 2. Collection method: clinical testing. Allele origin: germline. Affected: yes. Observed: 2 variant alleles.
Comment: COL4A3: PM1:Strong, PM2, PM3